The following is an entry in ClinVar:

NM_005529.7(HSPG2):c.8576C>T (p.Thr2859Met)

Gene: HSPG2 (heparan sulfate proteoglycan 2; minus strand). Cytogenetic location: 1p36.12.
Variant type: single nucleotide variant.
Coding change: c.8576C>T on transcript NM_005529.7 (MANE Select); coding-DNA position 8576, C replaced by T.
Protein change: p.Thr2859Met; replaces threonine 2859 with methionine.
Molecular consequence: missense variant.
Genome position (GRCh38, 1-based): chr1:21,844,188, G>A on the plus strand (C>T on the coding strand, the complement: HSPG2 is on the minus strand). VCF-style: chr1-21844188-G-A. GRCh37 (hg19) VCF-style: chr1-22170681-G-A.
Other names: c.8579C>T, p.Thr2860Met (NM_001291860.2); short protein forms T2859M, T2860M.
Identifiers: ClinVar variation 295772 (VCV000295772.40), dbSNP rs139855779, ClinGen allele CA670735.

ClinVar aggregate classification (germline): Conflicting classifications of pathogenicity. Review status: criteria provided, conflicting classifications (1 of 4 stars). 6 submissions from 5 submitters: Uncertain significance (3); Likely benign (3). Last evaluated 2025-12-01.

Conditions:
Schwartz-Jampel syndrome. Also called: Myotonic myopathy dwarfism chondrodystrophy and ocular and facial abnormalities. Identifiers: Orphanet 800, MedGen C0036391, MONDO:0009717.
Lethal Kniest-like syndrome (DDSH). Also called: Dyssegmental Dysplasia. Identifiers: Orphanet 1865, MedGen C1857100, MONDO:0009140, OMIM 224410.

Allele frequency attached by ClinVar (database versions not stated): ExAC 0.00023; ESP Exome Variant Server 0.00023; gnomAD 0.00025 and 0.00027; TOPMed 0.00041.
gnomAD v4.1: 338 of 1,613,660 alleles (0.021%); highest among the groups gnomAD compares: African/African-American, 0.0093%; 2 homozygotes.

Submissions (6):

CeGaT Center for Human Genetics Tuebingen
Classification: Likely benign. Last evaluated: 2025-12-01. Review status: criteria provided, single submitter. Criteria: CeGaT Center For Human Genetics Tuebingen Variant Classification Criteria Version 2. Collection method: clinical testing. Allele origin: germline. Affected: yes. Observed: 3 variant alleles.
Comment: HSPG2: BP4, BS2

Labcorp Genetics (formerly Invitae), Labcorp
Classification: Likely benign. Last evaluated: 2025-11-08. Review status: criteria provided, single submitter. Criteria: Invitae Variant Classification Sherloc (09022015). Collection method: clinical testing. Allele origin: germline.

Revvity Omics, Revvity
Classification: Uncertain significance. Last evaluated: 2019-12-09. Review status: criteria provided, single submitter. Criteria: ACMG Guidelines, 2015. Collection method: clinical testing. Allele origin: germline.

Athena Diagnostics
Classification: Likely benign. Last evaluated: 2019-06-05. Review status: criteria provided, single submitter. Criteria: Athena Diagnostics Criteria. Collection method: clinical testing. Allele origin: germline.

Illumina Laboratory Services, Illumina
Classification: Uncertain significance for Schwartz-Jampel syndrome type 1. Last evaluated: 2018-01-12. Review status: criteria provided, single submitter. Criteria: ICSL Variant Classification Criteria 13 December 2019. Collection method: clinical testing. Allele origin: germline.

Illumina Laboratory Services, Illumina
Classification: Uncertain significance for Lethal Kniest-like syndrome. Last evaluated: 2018-01-12. Review status: criteria provided, single submitter. Criteria: ICSL Variant Classification Criteria 13 December 2019. Collection method: clinical testing. Allele origin: germline.